The following is an entry in ClinVar:

NM_017882.3(CLN6):c.124C>G (p.Pro42Ala)

Gene: CLN6 (CLN6 transmembrane ER protein; minus strand). Cytogenetic location: 15q23.
Variant type: single nucleotide variant.
Coding change: c.124C>G on transcript NM_017882.3 (MANE Select); coding-DNA position 124, C replaced by G.
Protein change: p.Pro42Ala; replaces proline 42 with alanine.
Molecular consequence: missense variant.
Genome position (GRCh38, 1-based): chr15:68,218,610, G>C on the plus strand (C>G on the coding strand, the complement: CLN6 is on the minus strand). VCF-style: chr15-68218610-G-C. GRCh37 (hg19) VCF-style: chr15-68510948-G-C.
Other names: short protein forms P42A.
Identifiers: ClinVar variation 1001439 (VCV001001439.9), dbSNP rs1003606439, ClinGen allele CA392975801.

ClinVar aggregate classification (germline): Uncertain significance (1 of 4 stars; one submission).

Conditions:
Neuronal ceroid lipofuscinosis. Also called: Neuronal Ceroid Lipofuscinoses. Identifiers: Orphanet 216, Orphanet 79263, MedGen C0027877, MONDO:0016295. Disease mechanism: loss of function.

gnomAD v4.1: 4 of 1,613,960 alleles (0.00025%); highest among the groups gnomAD compares: Non-Finnish European, 0.00034%; no homozygotes.

Submission:

Labcorp Genetics (formerly Invitae), Labcorp
Classification: Uncertain significance for Neuronal ceroid lipofuscinosis. Last evaluated: 2022-11-01. Review status: criteria provided, single submitter. Criteria: Invitae Variant Classification Sherloc (09022015). Collection method: clinical testing. Allele origin: germline.
Comment: In summary, the available evidence is currently insufficient to determine the role of this variant in disease. Therefore, it has been classified as a Variant of Uncertain Significance. Advanced modeling of protein sequence and biophysical properties (such as structural, functional, and spatial information, amino acid conservation, physicochemical variation, residue mobility, and thermodynamic stability) performed at Invitae indicates that this missense variant is not expected to disrupt CLN6 protein function. ClinVar contains an entry for this variant (Variation ID: 1001439). This variant has not been reported in the literature in individuals affected with CLN6-related conditions. This variant is not present in population databases (gnomAD no frequency). This sequence change replaces proline, which is neutral and non-polar, with alanine, which is neutral and non-polar, at codon 42 of the CLN6 protein (p.Pro42Ala).